The following is an entry in ClinVar:

NM_005006.7(NDUFS1):c.1143G>T (p.Leu381Phe)

Gene: NDUFS1 (NADH:ubiquinone oxidoreductase core subunit S1; minus strand). Cytogenetic location: 2q33.3.
Variant type: single nucleotide variant.
Coding change: c.1143G>T on transcript NM_005006.7 (MANE Select); coding-DNA position 1143, G replaced by T.
Protein change: p.Leu381Phe; replaces leucine 381 with phenylalanine.
Molecular consequence: missense variant.
Genome position (GRCh38, 1-based): chr2:206,142,060, C>A on the plus strand (G>T on the coding strand, the complement: NDUFS1 is on the minus strand). VCF-style: chr2-206142060-C-A. GRCh37 (hg19) VCF-style: chr2-207006784-C-A.
Other names: c.1035G>T, p.Leu345Phe (NM_001199981.2); c.810G>T, p.Leu270Phe (NM_001199982.2); c.972G>T, p.Leu324Phe (NM_001199983.2); c.1185G>T, p.Leu395Phe (NM_001199984.2); short protein forms L270F, L324F, L381F, L395F, L345F.
Identifiers: ClinVar variation 1953656 (VCV001953656.5), dbSNP rs1231629528, ClinGen allele CA350052630.
Genomic context (GRCh38, chr2:206,142,060, plus strand): 5'-AAGAACAACATCTGCCTCTTCCACACCAGCAATTGTAGTATTAAGAAGATAATTGGAACG[C>A]AAATCTGTGCTAGAAATACAATATATAAAATGCAAATTTACTTTAAAATTAAGACATACA-3'
Protein context (NP_004997.4, residues 371-391): VFPTAGAGTD[Leu381Phe]RSNYLLNTTI

ClinVar aggregate classification (germline): Uncertain significance (1 of 4 stars; one submission).

Allele frequency attached by ClinVar (database versions not stated): gnomAD exomes 0.00001.
gnomAD v4.1: 5 of 1,596,414 alleles (0.00031%); highest among the groups gnomAD compares: Admixed American, 0.0033%; no homozygotes.

Submission:

Labcorp Genetics (formerly Invitae), Labcorp
Classification: Uncertain significance. Last evaluated: 2021-12-27. Review status: criteria provided, single submitter. Criteria: Invitae Variant Classification Sherloc (09022015). Collection method: clinical testing. Allele origin: germline.
Comment: This sequence change replaces leucine, which is neutral and non-polar, with phenylalanine, which is neutral and non-polar, at codon 381 of the NDUFS1 protein (p.Leu381Phe). In summary, the available evidence is currently insufficient to determine the role of this variant in disease. Therefore, it has been classified as a Variant of Uncertain Significance. Algorithms developed to predict the effect of missense changes on protein structure and function (SIFT, PolyPhen-2, Align-GVGD) all suggest that this variant is likely to be tolerated. This variant has not been reported in the literature in individuals affected with NDUFS1-related conditions. The frequency data for this variant in the population databases is considered unreliable, as metrics indicate poor data quality at this position in the gnomAD database.